The following is an entry in ClinVar:

ClinVar aggregate classification (germline): Uncertain significance (1 of 4 stars; one submission).

Submission:

Labcorp Genetics (formerly Invitae), Labcorp
Classification: Uncertain significance. Last evaluated: 2024-10-28. Review status: criteria provided, single submitter. Criteria: Invitae Variant Classification Sherloc (09022015). Collection method: clinical testing. Allele origin: germline.
Comment: This sequence change replaces glutamic acid, which is acidic and polar, with glycine, which is neutral and non-polar, at codon 188 of the CDCA7 protein (p.Glu188Gly). This variant is not present in population databases (gnomAD no frequency). This variant has not been reported in the literature in individuals affected with CDCA7-related conditions. Invitae Evidence Modeling of protein sequence and biophysical properties (such as structural, functional, and spatial information, amino acid conservation, physicochemical variation, residue mobility, and thermodynamic stability) indicates that this missense variant is not expected to disrupt CDCA7 protein function with a negative predictive value of 80%. In summary, the available evidence is currently insufficient to determine the role of this variant in disease. Therefore, it has been classified as a Variant of Uncertain Significance.

NM_031942.5(CDCA7):c.563A>G (p.Glu188Gly)

Gene: CDCA7 (cell division cycle associated 7; plus strand). Cytogenetic location: 2q31.1.
Variant type: single nucleotide variant.
Coding change: c.563A>G on transcript NM_031942.5 (MANE Select); coding-DNA position 563, A replaced by G.
Protein change: p.Glu188Gly; replaces glutamic acid 188 with glycine.
Molecular consequence: missense variant.
Genome position (GRCh38, 1-based): chr2:173,363,404, A>G. VCF-style: chr2-173363404-A-G. GRCh37 (hg19) VCF-style: chr2-174228132-A-G.
Other names: c.326A>G, p.Glu109Gly (NM_145810.3); short protein forms E109G, E188G.
Identifiers: ClinVar variation 3614387 (VCV003614387.2).